The following is an entry in ClinVar:

ClinVar aggregate classification (germline): Uncertain significance. Review status: criteria provided, multiple submitters, no conflicts (2 of 4 stars). 2 submissions from 2 submitters: Uncertain significance (2). Last evaluated 2025-07-02.

Conditions:
Hypertrophic cardiomyopathy. Also called: HYPERTROPHIC MYOCARDIOPATHY. Identifiers: Orphanet 217569, MedGen C0007194, MeSH D002312, MONDO:0005045, HP:0001639.

Submissions (2):

Labcorp Genetics (formerly Invitae), Labcorp
Classification: Uncertain significance for Hypertrophic cardiomyopathy. Last evaluated: 2025-07-02. Review status: criteria provided, single submitter. Criteria: Invitae Variant Classification Sherloc (09022015). Collection method: clinical testing. Allele origin: germline.
Comment: This sequence change replaces lysine, which is basic and polar, with threonine, which is neutral and polar, at codon 484 of the MYH7 protein (p.Lys484Thr). This variant is not present in population databases (gnomAD no frequency). This missense change has been observed in individual(s) with MYH7-related conditions (PMID: 37652022). ClinVar contains an entry for this variant (Variation ID: 181407). Invitae Evidence Modeling of protein sequence and biophysical properties (such as structural, functional, and spatial information, amino acid conservation, physicochemical variation, residue mobility, and thermodynamic stability) indicates that this missense variant is expected to disrupt MYH7 protein function with a positive predictive value of 95%. In summary, the available evidence is currently insufficient to determine the role of this variant in disease. Therefore, it has been classified as a Variant of Uncertain Significance.

GeneDx
Classification: Uncertain significance. Last evaluated: 2016-12-19. Review status: criteria provided, single submitter. Criteria: GeneDx Variant Classification (06012015). Collection method: clinical testing. Allele origin: germline. Affected: yes.
Comment: A variant of uncertain significance has been identified in the MYH7 gene. The K484T variant has not been published as a pathogenic variant, nor has it been reported as a benign variant to our knowledge. The K484T variant was not observed in approximately 6,500 individuals of European and African American ancestry in the NHLBI Exome Sequencing Project, indicating it is not a common benign variant in these populations. The K484T variant is a semi-conservative amino acid substitution, which may impact secondary protein structure as these residues differ in some properties. This substitution occurs at a position that is conserved across species, and in silico analysis predicts this variant is probably damaging to the protein structure/function. However, to our knowledge no studies have been performed to determine the functional effect of the K484T variant.Therefore, based on the currently available information, it is unclear whether this variant is pathogenic or benign.

Literature cited by the submitters: PubMed 37652022 (cited by Labcorp Genetics (formerly Invitae), Labcorp).

NM_000257.4(MYH7):c.1451A>C (p.Lys484Thr)

Gene: MYH7 (myosin heavy chain 7; minus strand). Cytogenetic location: 14q11.2.
Variant type: single nucleotide variant.
Coding change: c.1451A>C on transcript NM_000257.4 (MANE Select); coding-DNA position 1451, A replaced by C.
Protein change: p.Lys484Thr; replaces lysine 484 with threonine.
Molecular consequence: missense variant.
Genome position (GRCh38, 1-based): chr14:23,428,627, T>G on the plus strand (A>C on the coding strand, the complement: MYH7 is on the minus strand). VCF-style: chr14-23428627-T-G. GRCh37 (hg19) VCF-style: chr14-23897836-T-G.
Other names: p.K484T:AAG>ACG; c.1451A>C (LRG_384t1); short protein forms K484T.
Identifiers: ClinVar variation 181407 (VCV000181407.3), dbSNP rs730880928, ClinGen allele CA010779.